The following is an entry in ClinVar:

NM_001378418.1(TCF20):c.4136C>T (p.Thr1379Met)

Gene: TCF20 (transcription factor 20; minus strand). Cytogenetic location: 22q13.2.
Variant type: single nucleotide variant.
Coding change: c.4136C>T on transcript NM_001378418.1 (MANE Select); coding-DNA position 4136, C replaced by T.
Protein change: p.Thr1379Met; replaces threonine 1379 with methionine.
Molecular consequence: missense variant.
Genome position (GRCh38, 1-based): chr22:42,211,170, G>A on the plus strand (C>T on the coding strand, the complement: TCF20 is on the minus strand). VCF-style: chr22-42211170-G-A. GRCh37 (hg19) VCF-style: chr22-42607176-G-A.
Other names: c.4136C>T, p.Thr1379Met (NM_005650.4, NM_181492.3); short protein forms T1379M.
Identifiers: ClinVar variation 2722001 (VCV002722001.3), dbSNP rs781758485, ClinGen allele CA10266709.
Genomic context (GRCh38, chr22:42,211,170, plus strand): 5'-GCAACACTCCCACCTTCAGGAGGACCACTCTTCAAAGACAGTATATCATCAAGCGTAACC[G>A]TGTCTCCCCCAGCCTCCGCACTGTTCGAAGATGCGCTCCTCCTAATATTTGGGGATGTAA-3'
Protein context (NP_001365347.1, residues 1369-1389): SSNSAEAGGD[Thr1379Met]VTLDDILSLK

ClinVar aggregate classification (germline): Uncertain significance (1 of 4 stars; one submission).

Allele frequency attached by ClinVar (database versions not stated): gnomAD 0.00001; TOPMed 0.00001; ExAC 0.00005.
gnomAD v4.1: 20 of 1,614,054 alleles (0.0012%); highest among the groups gnomAD compares: East Asian, 0.018%; no homozygotes.

Submission:

Labcorp Genetics (formerly Invitae), Labcorp
Classification: Uncertain significance. Last evaluated: 2023-05-21. Review status: criteria provided, single submitter. Criteria: Invitae Variant Classification Sherloc (09022015). Collection method: clinical testing. Allele origin: germline.
Comment: This variant is present in population databases (rs781758485, gnomAD 0.04%). This sequence change replaces threonine, which is neutral and polar, with methionine, which is neutral and non-polar, at codon 1379 of the TCF20 protein (p.Thr1379Met). This variant has not been reported in the literature in individuals affected with TCF20-related conditions. In summary, the available evidence is currently insufficient to determine the role of this variant in disease. Therefore, it has been classified as a Variant of Uncertain Significance. An algorithm developed to predict the effect of missense changes on protein structure and function (PolyPhen-2) suggests that this variant is likely to be disruptive.